The following is an entry in ClinVar:

NM_006734.4(HIVEP2):c.6953C>A (p.Thr2318Lys)

Gene: HIVEP2 (HIVEP zinc finger 2; minus strand). Cytogenetic location: 6q24.2.
Variant type: single nucleotide variant.
Coding change: c.6953C>A on transcript NM_006734.4 (MANE Select); coding-DNA position 6953, C replaced by A.
Protein change: p.Thr2318Lys; replaces threonine 2318 with lysine.
Molecular consequence: missense variant.
Genome position (GRCh38, 1-based): chr6:142,753,495, G>T on the plus strand (C>A on the coding strand, the complement: HIVEP2 is on the minus strand). VCF-style: chr6-142753495-G-T. GRCh37 (hg19) VCF-style: chr6-143074632-G-T.
Other names: short protein forms T2318K.
Identifiers: ClinVar variation 784637 (VCV000784637.39), dbSNP rs144732790, ClinGen allele CA4027599.
Genomic context (GRCh38, chr6:142,753,495, plus strand): 5'-ATCCGGAGAGAGGCAATGGCTTTTGTACAAGTCTGTATATTTTCCTCCTGTTCCCGCTCT[G>T]TTGCGTTTAGGCTGTCTTCCGAAGTGCTCTGTTTCATCAACAGCCGAGGAGAGGAGGGAG-3'
Protein context (NP_006725.3, residues 2308-2328): QSTSEDSLNA[Thr2318Lys]EREQEENIQT

ClinVar aggregate classification (germline): Benign/Likely benign. Review status: criteria provided, multiple submitters, no conflicts (2 of 4 stars). 4 submissions from 4 submitters: Benign (3); Likely benign (1). Last evaluated 2026-09-01.

Allele frequency attached by ClinVar (database versions not stated): 1000 Genomes Project 30x 0.00109; 1000 Genomes Project 0.00120; TOPMed 0.00263; gnomAD 0.00309 and 0.00327; ESP Exome Variant Server 0.00357.
gnomAD v4.1: 7,468 of 1,614,148 alleles (0.46%); highest among the groups gnomAD compares: Non-Finnish European, 0.58%; 19 homozygotes.

Submissions (4):

CeGaT Center for Human Genetics Tuebingen
Classification: Benign. Last evaluated: 2026-09-01. Review status: criteria provided, single submitter. Criteria: CeGaT Center For Human Genetics Tuebingen Variant Classification Criteria Version 2. Collection method: clinical testing. Allele origin: germline. Affected: yes. Observed: 21 variant alleles.
Comment: HIVEP2: BS1, BS2

Labcorp Genetics (formerly Invitae), Labcorp
Classification: Benign. Last evaluated: 2026-01-28. Review status: criteria provided, single submitter. Criteria: Invitae Variant Classification Sherloc (09022015). Collection method: clinical testing. Allele origin: germline.

Blueprint Genetics
Classification: Likely benign. Last evaluated: 2024-11-22. Review status: criteria provided, single submitter. Criteria: ACMG Guidelines, 2015. Collection method: clinical testing. Allele origin: germline.

Genetic Services Laboratory, University of Chicago
Classification: Benign. Last evaluated: 2019-05-21. Review status: criteria provided, single submitter. Criteria: ACMG Guidelines, 2015. Collection method: clinical testing. Allele origin: germline. Affected: no.